The following is an entry in ClinVar:

NM_006361.6(HOXB13):c.90C>T (p.His30=)

Gene: HOXB13 (homeobox B13; minus strand). Cytogenetic location: 17q21.32.
Variant type: single nucleotide variant.
Coding change: c.90C>T on transcript NM_006361.6 (MANE Select); coding-DNA position 90, C replaced by T.
Protein change: p.His30=; no amino-acid change (histidine 30 retained).
Molecular consequence: synonymous variant.
Genome position (GRCh38, 1-based): chr17:48,728,504, G>A on the plus strand (C>T on the coding strand, the complement: HOXB13 is on the minus strand). VCF-style: chr17-48728504-G-A. GRCh37 (hg19) VCF-style: chr17-46805866-G-A.
Identifiers: ClinVar variation 1546949 (VCV001546949.9), dbSNP rs561048036, ClinGen allele CA291350922.
Genomic context (GRCh38, chr17:48,728,504, plus strand): 5'-GGGGGCATAGTTGACAGCAGGCATCAGCGTAGGCGCCGCTGGGTGGCTGGTCAGAGGGGA[G>A]TGGGCGACCAGATTCCGCCCCCCTCCCGCTCCCAGCAAGCCTTCGATATCCTTGGCTCCA-3'
Protein context (NP_006352.2, residues 20-40): GAGGGRNLVA[His30=]SPLTSHPAAP

ClinVar aggregate classification (germline): Benign/Likely benign. Review status: criteria provided, multiple submitters, no conflicts (2 of 4 stars). 2 submissions from 2 submitters: Benign (1); Likely benign (1). Last evaluated 2024-10-28.

Conditions:
Prostate cancer, hereditary, 9 (HPC9). Identifiers: Orphanet 1331, MedGen C1970250, MONDO:0012597, OMIM 610997.

gnomAD v4.1: 3 of 1,613,474 alleles (0.00019%); highest among the groups gnomAD compares: Non-Finnish European, 0.00025%; no homozygotes.

Submissions (2):

Myriad Genetics, Inc.
Classification: Benign for Prostate cancer, hereditary, 9. Last evaluated: 2024-10-28. Review status: criteria provided, single submitter. Criteria: Myriad Autosomal Dominant, Autosomal Recessive and X-Linked Classification Criteria (2023). Collection method: clinical testing. Allele origin: unknown.
Comment: This variant is considered benign. This variant is a silent/synonymous amino acid change and it is not expected to impact splicing.

Labcorp Genetics (formerly Invitae), Labcorp
Classification: Likely benign. Last evaluated: 2021-10-02. Review status: criteria provided, single submitter. Criteria: Invitae Variant Classification Sherloc (09022015). Collection method: clinical testing. Allele origin: germline.